The following is an entry in ClinVar:

NM_015231.3(NUP160):c.2237G>T (p.Ser746Ile)

Gene: NUP160 (nucleoporin 160; minus strand). Cytogenetic location: 11p11.2.
Variant type: single nucleotide variant.
Coding change: c.2237G>T on transcript NM_015231.3 (MANE Select); coding-DNA position 2237, G replaced by T.
Protein change: p.Ser746Ile; replaces serine 746 with isoleucine.
Molecular consequence: missense variant. On other transcripts: non-coding transcript variant (1).
Genome position (GRCh38, 1-based): chr11:47,808,432, C>A on the plus strand (G>T on the coding strand, the complement: NUP160 is on the minus strand). VCF-style: chr11-47808432-C-A. GRCh37 (hg19) VCF-style: chr11-47829984-C-A.
Other names: short protein forms S746I.
Identifiers: ClinVar variation 1944695 (VCV001944695.4), dbSNP rs372955674, ClinGen allele CA221752086.
Genomic context (GRCh38, chr11:47,808,432, plus strand): 5'-AATAATTGGGATAATGAAACTCACAGTGTGTCAAGTGGAACATCAGTTGCCAAGCACTCA[C>A]TTCCCCATTTAATGAGGTAATAAGATAAGAGTAGGGGAGCTGTTCGATGTAGTAGGTCTT-3'
Protein context (NP_056046.2, residues 736-756): LLSYYLIKWG[Ser746Ile]ECLATDVPLD

ClinVar aggregate classification (germline): Uncertain significance (1 of 4 stars; one submission).

gnomAD v4.1: 7 of 1,613,714 alleles (0.00043%); highest among the groups gnomAD compares: African/African-American, 0.004%; no homozygotes.

Submission:

Labcorp Genetics (formerly Invitae), Labcorp
Classification: Uncertain significance. Last evaluated: 2025-08-11. Review status: criteria provided, single submitter. Criteria: Invitae Variant Classification Sherloc (09022015). Collection method: clinical testing. Allele origin: germline.
Comment: This sequence change replaces serine, which is neutral and polar, with isoleucine, which is neutral and non-polar, at codon 780 of the NUP160 protein (p.Ser780Ile). This variant is not present in population databases (gnomAD no frequency). This variant has not been reported in the literature in individuals affected with NUP160-related conditions. ClinVar contains an entry for this variant (Variation ID: 1944695). An algorithm developed to predict the effect of missense changes on protein structure and function (PolyPhen-2) suggests that this variant is likely to be tolerated. In summary, the available evidence is currently insufficient to determine the role of this variant in disease. Therefore, it has been classified as a Variant of Uncertain Significance.